The following is an entry in ClinVar:

ClinVar aggregate classification (germline): Likely benign (1 of 4 stars; one submission).

Conditions:
Kabuki syndrome 1 (KABUK1). Also called: KMT2D-Related Kabuki Syndrome. Identifiers: Orphanet 2322, MedGen CN030661, MONDO:0007843, OMIM 147920.

Submission:

Tartaglia Lab, Genetics and Rare Diseases Research Division, Bambino Gesu' Children's Hospital
Classification: Likely benign for Kabuki syndrome 1. Last evaluated: 2023-12-31. Review status: criteria provided, single submitter. Criteria: ACMG Guidelines, 2015. Collection method: research. Allele origin: paternal. Affected: yes.
Comment: The variant was functionally validated by DNA methylayion profiling using a previously reported Kabuki syndrome-specific episignature (PMID: 32109418)

NM_003482.4(KMT2D):c.9613G>A (p.Gly3205Arg)

Gene: KMT2D (lysine methyltransferase 2D; minus strand). Cytogenetic location: 12q13.12.
Variant type: single nucleotide variant.
Coding change: c.9613G>A on transcript NM_003482.4 (MANE Select); coding-DNA position 9613, G replaced by A.
Protein change: p.Gly3205Arg; replaces glycine 3205 with arginine.
Molecular consequence: missense variant.
Genome position (GRCh38, 1-based): chr12:49,037,743, C>T on the plus strand (G>A on the coding strand, the complement: KMT2D is on the minus strand). VCF-style: chr12-49037743-C-T. GRCh37 (hg19) VCF-style: chr12-49431526-C-T.
Other names: short protein forms G3205R.
Identifiers: ClinVar variation 2687902 (VCV002687902.1), dbSNP rs2498382450.